The following is an entry in ClinVar:

NM_002485.5(NBN):c.407dup (p.Gly137fs)

Gene: NBN (nibrin; minus strand). Cytogenetic location: 8q21.3.
Variant type: Duplication.
Coding change: c.407dup on transcript NM_002485.5 (MANE Select); coding-DNA position 407, one base duplicated (G; older notation c.407dupG).
Protein change: p.Gly137fs; shifts the reading frame from glycine 137.
Molecular consequence: frameshift variant.
Genome position (GRCh38, 1-based): chr8:89,980,807, C duplicated on the plus strand (G on the coding strand, the reverse complement: NBN is on the minus strand); the first of 2 consecutive C bases (chr8:89,980,807-89,980,808); duplicating either gives the same sequence. VCF-style (leftmost placement, unchanged base first): chr8-89980806-T-TC. GRCh37 (hg19) VCF-style: chr8-90993034-T-TC.
Other names: c.161dup, p.Gly55fs (NM_001024688.3); short protein forms G137fs, G55fs.
Identifiers: ClinVar variation 919269 (VCV000919269.8), dbSNP rs747462107, ClinGen allele CA4802986.

ClinVar aggregate classification (germline): Pathogenic (1 of 4 stars; one submission).

Conditions:
Microcephaly, normal intelligence and immunodeficiency (NBS). Also called: Ataxia telangiectasia variant V1; IMMUNODEFICIENCY, MICROCEPHALY, AND CHROMOSOMAL INSTABILITY; SEEMANOVA SYNDROME II; Nijmegen breakage syndrome; Microcephaly with normal intelligence immunodeficiency and lymphoreticular malignancies; Nonsyndromal microcephaly autosomal recessive with normal intelligence. Identifiers: Orphanet 647, MedGen C0398791, MONDO:0009623, OMIM 251260.

Submission:

Labcorp Genetics (formerly Invitae), Labcorp
Classification: Pathogenic for Microcephaly, normal intelligence and immunodeficiency. Last evaluated: 2021-10-09. Review status: criteria provided, single submitter. Criteria: Invitae Variant Classification Sherloc (09022015). Collection method: clinical testing. Allele origin: germline.
Comment: This sequence change creates a premature translational stop signal (p.Gly137Argfs*24) in the NBN gene. It is expected to result in an absent or disrupted protein product. Loss-of-function variants in NBN are known to be pathogenic (PMID: 9590180, 16415040). This variant is present in population databases (rs747462107, ExAC 0.001%). This variant has not been reported in the literature in individuals with NBN-related conditions. ClinVar contains an entry for this variant (Variation ID: 919269). For these reasons, this variant has been classified as Pathogenic.

Literature cited by the submitters: PubMed 9590180; PubMed 16415040.